The following is an entry in ClinVar:

NM_001035.3(RYR2):c.7942A>G (p.Ile2648Val)

Gene: RYR2 (ryanodine receptor 2; plus strand). Cytogenetic location: 1q43.
Variant type: single nucleotide variant.
Coding change: c.7942A>G on transcript NM_001035.3 (MANE Select); coding-DNA position 7942, A replaced by G.
Protein change: p.Ile2648Val; replaces isoleucine 2648 with valine.
Molecular consequence: missense variant.
Genome position (GRCh38, 1-based): chr1:237,654,391, A>G. VCF-style: chr1-237654391-A-G. GRCh37 (hg19) VCF-style: chr1-237817691-A-G.
Other names: short protein forms I2648V.
Identifiers: ClinVar variation 3632188 (VCV003632188.2).
Genomic context (GRCh38, chr1:237,654,391, plus strand): 5'-GGAAACTTTGGTGCTGCCTCAGAAGAAGAACTTCATTTATCAAGAAAGTTGTTCTGGGGC[A>G]TTTTTGATGCCCTGTCTCAAAAGGTAATTTAATGGTTTGTGGGTTTGTTTGTATCAATAA-3'
Protein context (NP_001026.2, residues 2638-2658): LHLSRKLFWG[Ile2648Val]FDALSQKKYE

ClinVar aggregate classification (germline): Uncertain significance (1 of 4 stars; one submission).

Conditions:
Catecholaminergic polymorphic ventricular tachycardia 1. Also called: VENTRICULAR TACHYCARDIA, CATECHOLAMINERGIC POLYMORPHIC, 1, WITH OR WITHOUT ATRIAL DYSFUNCTION AND/OR DILATED CARDIOMYOPATHY; RYR2-Related Catecholaminergic Polymorphic Ventricular Tachycardia; VENTRICULAR TACHYCARDIA, STRESS-INDUCED POLYMORPHIC 1. Identifiers: Orphanet 3286, MedGen C1631597, MONDO:0011484, OMIM 604772.

gnomAD v4.1: 1 of 1,613,812 alleles (0.000062%); highest among the groups gnomAD compares: African/African-American, 0.0013%; no homozygotes.

Submission:

Labcorp Genetics (formerly Invitae), Labcorp
Classification: Uncertain significance for Catecholaminergic polymorphic ventricular tachycardia 1. Last evaluated: 2024-09-15. Review status: criteria provided, single submitter. Criteria: Invitae Variant Classification Sherloc (09022015). Collection method: clinical testing. Allele origin: germline.
Comment: This sequence change replaces isoleucine, which is neutral and non-polar, with valine, which is neutral and non-polar, at codon 2648 of the RYR2 protein (p.Ile2648Val). This variant is not present in population databases (gnomAD no frequency). This variant has not been reported in the literature in individuals affected with RYR2-related conditions. Invitae Evidence Modeling of protein sequence and biophysical properties (such as structural, functional, and spatial information, amino acid conservation, physicochemical variation, residue mobility, and thermodynamic stability) indicates that this missense variant is not expected to disrupt RYR2 protein function with a negative predictive value of 95%. In summary, the available evidence is currently insufficient to determine the role of this variant in disease. Therefore, it has been classified as a Variant of Uncertain Significance.